The following is an entry in ClinVar:

ClinVar aggregate classification (germline): Uncertain significance (1 of 4 stars; one submission).

Submission:

GeneDx
Classification: Uncertain significance. Last evaluated: 2022-11-23. Review status: criteria provided, single submitter. Criteria: GeneDx Variant Classification Process June 2021. Collection method: clinical testing. Allele origin: germline. Affected: yes.
Comment: Not observed at significant frequency in large population cohorts (gnomAD); In silico analysis supports that this missense variant has a deleterious effect on protein structure/function; Has not been previously published as pathogenic or benign to our knowledge

NM_181332.3(NLGN4X):c.986A>C (p.Gln329Pro)

Gene: NLGN4X (neuroligin 4 X-linked; minus strand). Cytogenetic location: Xp22.32.
Variant type: single nucleotide variant.
Coding change: c.986A>C on transcript NM_181332.3 (MANE Select); coding-DNA position 986, A replaced by C.
Protein change: p.Gln329Pro; replaces glutamine 329 with proline.
Molecular consequence: missense variant.
Genome position (GRCh38, 1-based): chrX:5,903,692, T>G on the plus strand (A>C on the coding strand, the complement: NLGN4X is on the minus strand). VCF-style: chrX-5903692-T-G. GRCh37 (hg19) VCF-style: chrX-5821733-T-G.
Other names: c.986A>C, p.Gln329Pro (NM_001282145.2, NM_001282146.2, NM_020742.4); short protein forms Q329P.
Identifiers: ClinVar variation 2503174 (VCV002503174.1), dbSNP rs2518448991, ClinGen allele CA412011404.